The following is an entry in ClinVar:

NM_000179.3(MSH6):c.898C>T (p.Arg300Trp)

Gene: MSH6 (mutS homolog 6; plus strand). Cytogenetic location: 2p16.3.
Variant type: single nucleotide variant.
Coding change: c.898C>T on transcript NM_000179.3 (MANE Select); coding-DNA position 898, C replaced by T.
Protein change: p.Arg300Trp; replaces arginine 300 with tryptophan.
Molecular consequence: missense variant. On other transcripts: 5 prime UTR variant (2).
Genome position (GRCh38, 1-based): chr2:47,798,881, C>T. VCF-style: chr2-47798881-C-T. GRCh37 (hg19) VCF-style: chr2-48026020-C-T.
Other names: c.508C>T, p.Arg170Trp (NM_001281492.2); c.-9C>T (NM_001281493.2, NM_001281494.2); short protein forms R300W, R170W.
Identifiers: ClinVar variation 234557 (VCV000234557.31), dbSNP rs779858670, ClinGen allele CA073553.

ClinVar aggregate classification (germline): Conflicting classifications of pathogenicity. Review status: criteria provided, conflicting classifications (1 of 4 stars). 11 submissions from 11 submitters: Uncertain significance (9); Likely benign (2). Last evaluated 2026-04-28.

Conditions:
MSH6-related disorder. Also called: MSH6-related condition; MSH6-Related disorders.
Hereditary nonpolyposis colorectal neoplasms. Identifiers: MedGen C0009405, MeSH D003123.
Hereditary cancer-predisposing syndrome. Also called: Neoplastic Syndromes, Hereditary; Hereditary neoplastic syndrome; Hereditary Cancer Syndrome; Tumor predisposition. Identifiers: Orphanet 140162, MedGen C0027672, MeSH D009386, MONDO:0015356.
Breast and/or ovarian cancer. Identifiers: MedGen CN221562.
Lynch syndrome. Identifiers: Orphanet 144, MedGen C4552100, MONDO:0005835. Disease mechanism: loss of function.
Lynch syndrome 5 (LYNCH5). Also called: Colorectal cancer, hereditary nonpolyposis, type 5; Hereditary non-polyposis colorectal cancer, type 5. Identifiers: Orphanet 144, MedGen C1833477, MONDO:0013710, OMIM 614350. Disease mechanism: loss of function.
Endometrial carcinoma. Also called: Endometrial carcinoma, somatic. Identifiers: MedGen C0476089, MONDO:0002447, OMIM 608089, HP:0012114.

Allele frequency attached by ClinVar (database versions not stated): TOPMed below 0.00001; ExAC 0.00001; gnomAD exomes 0.00001.
gnomAD v4.1: 14 of 1,614,006 alleles (0.00087%); highest among the groups gnomAD compares: South Asian, 0.0022%; no homozygotes.

Submissions (11):

Myriad Genetics, Inc.
Classification: Likely benign for Lynch syndrome 5. Last evaluated: 2026-04-28. Review status: criteria provided, single submitter. Criteria: Myriad Autosomal Dominant, Autosomal Recessive and X-Linked Classification Criteria (2023). Collection method: clinical testing. Allele origin: unknown.
Comment: This variant is considered likely benign. This variant is strongly associated with less severe personal and family histories of cancer, typical for individuals without pathogenic variants in this gene [PMID: 27363726].

Labcorp Genetics (formerly Invitae), Labcorp
Classification: Likely benign for Hereditary nonpolyposis colorectal neoplasms. Last evaluated: 2025-12-06. Review status: criteria provided, single submitter. Criteria: Invitae Variant Classification Sherloc (09022015). Collection method: clinical testing. Allele origin: germline.

PreventionGenetics, part of Exact Sciences
Classification: Uncertain significance for MSH6-related condition. Last evaluated: 2025-09-24. Review status: criteria provided, single submitter. Criteria: ACMG Guidelines, 2015. Collection method: clinical testing. Allele origin: germline.
Comment: The MSH6 c.898C>T variant is predicted to result in the amino acid substitution p.Arg300Trp. To our knowledge, this variant has not been reported in the literature. This variant is reported in 0.00088% of alleles in individuals of European (Non-Finnish) descent in gnomAD. This variant has conflicting interpretations in ClinVar ranging from uncertain to likely benign (Variation ID: 234557). At this time, the clinical significance of this variant is uncertain due to the absence of conclusive functional and genetic evidence.

Ambry Genetics
Classification: Uncertain significance for Hereditary cancer-predisposing syndrome. Last evaluated: 2025-01-15. Review status: criteria provided, single submitter. Criteria: Ambry Variant Classification Scheme 2023. Collection method: clinical testing. Allele origin: germline.
Comment: The p.R300W variant (also known as c.898C>T), located in coding exon 4 of the MSH6 gene, results from a C to T substitution at nucleotide position 898. The arginine at codon 300 is replaced by tryptophan, an amino acid with dissimilar properties. This amino acid position is well conserved in available vertebrate species. In addition, the in silico prediction for this alteration is inconclusive. Based on the available evidence, the clinical significance of this variant remains unclear.

GeneDx
Classification: Uncertain significance. Last evaluated: 2024-01-18. Review status: criteria provided, single submitter. Criteria: GeneDx Variant Classification Process June 2021. Collection method: clinical testing. Allele origin: germline. Affected: yes.
Comment: Not observed at significant frequency in large population cohorts (gnomAD); In silico analysis supports that this missense variant has a deleterious effect on protein structure/function; Has not been previously published as pathogenic or benign to our knowledge; This variant is associated with the following publications: (PMID: 25504677, 26261251, 21437237)

All of Us Research Program, National Institutes of Health
Classification: Uncertain significance for Lynch syndrome. Last evaluated: 2023-12-13. Review status: criteria provided, single submitter. Criteria: ACMG Guidelines, 2015. Collection method: clinical testing. Allele origin: germline. Inheritance: Autosomal dominant inheritance. Observed: 4 variant alleles, 4 heterozygotes.
Comment: This missense variant replaces arginine with tryptophan at codon 300 of the MSH6 protein. Computational prediction tool is inconclusive regarding the impact of this variant on protein structure and function (internally defined REVEL score threshold 0.5 < inconclusive < 0.7, PMID: 27666373). Splice site prediction tools suggest that this variant may not impact RNA splicing. To our knowledge, functional studies have not been performed for this variant. This variant has not been reported in individuals affected with hereditary cancer in the literature. This variant has been identified in 2/251284 chromosomes in the general population by the Genome Aggregation Database (gnomAD). The available evidence is insufficient to determine the role of this variant in disease conclusively. Therefore, this variant is classified as a Variant of Uncertain Significance.

This study involves interpretation of variants in research participants for the purpose of population health screening. Participant phenotype was not available at the time of variant classification. Additional details can be found in publication PMID: 35346344, PMCID: PMC8962531

Baylor Genetics
Classification: Uncertain significance for Endometrial carcinoma. Last evaluated: 2023-11-07. Review status: criteria provided, single submitter. Criteria: ACMG Guidelines, 2015. Collection method: clinical testing. Allele origin: unknown.

Color Diagnostics, LLC DBA Color Health
Classification: Uncertain significance for Hereditary cancer-predisposing syndrome. Last evaluated: 2023-06-21. Review status: criteria provided, single submitter. Criteria: ACMG Guidelines, 2015. Collection method: clinical testing. Allele origin: germline.
Comment: This missense variant replaces arginine with tryptophan at codon 300 of the MSH6 protein. Computational prediction is inconclusive regarding the impact of this variant on protein structure and function (internally defined REVEL score threshold 0.5 < inconclusive < 0.7, PMID: 27666373). To our knowledge, functional studies have not been reported for this variant. This variant has not been reported in individuals affected with MSH6-related disorders in the literature. This variant has been identified in 2/251284 chromosomes in the general population by the Genome Aggregation Database (gnomAD). The available evidence is insufficient to determine the role of this variant in disease conclusively. Therefore, this variant is classified as a Variant of Uncertain Significance.

Women's Health and Genetics/Laboratory Corporation of America, LabCorp
Classification: Uncertain significance. Last evaluated: 2022-04-15. Review status: criteria provided, single submitter. Criteria: LabCorp Variant Classification Summary - May 2015. Collection method: clinical testing. Allele origin: germline.
Comment: Variant summary: MSH6 c.898C>T (p.Arg300Trp) results in a non-conservative amino acid change in the encoded protein sequence. Five of five in-silico tools predict a damaging effect of the variant on protein function. The variant allele was found at a frequency of 8e-06 in 251284 control chromosomes. The available data on variant occurrences in the general population are insufficient to allow any conclusion about variant significance. To our knowledge, no occurrence of c.898C>T in individuals affected with Lynch Syndrome and no experimental evidence demonstrating its impact on protein function have been reported. Five clinical diagnostic laboratories have submitted clinical-significance assessments for this variant to ClinVar after 2014 without evidence for independent evaluation. All laboratories classified the variant as uncertain significance. Based on the evidence outlined above, the variant was classified as uncertain significance.

Sema4
Classification: Uncertain significance for Hereditary cancer-predisposing syndrome. Last evaluated: 2021-04-30. Review status: criteria provided, single submitter. Criteria: Sema4 Curation Guidelines. Collection method: curation. Allele origin: germline.
Comment: The MSH6 c.898C>T (p.R300W) variant has not been reported in individuals with MSH6-related disease to our knowledge. It was observed in 1/113616 chromosomes of the Non-Finnish European subpopulation in the large and broad cohorts of the Genome Aggregation Database (PMID: 32461654). The variant has been reported in ClinVar (Variation ID 234557). Functional studies have not been performed, and in silico predictions of the variant's effect on protein function are inconclusive. The evidence is insufficient to meet ACMG/AMP criteria for classifying the variant as benign or pathogenic. Thus, the clinical significance of this variant is currently uncertain.

CHEO Genetics Diagnostic Laboratory, Children's Hospital of Eastern Ontario
Classification: Uncertain significance for Breast and/or ovarian cancer. Last evaluated: 2020-01-13. Review status: criteria provided, single submitter. Criteria: ACMG Guidelines, 2015. Collection method: clinical testing. Allele origin: germline.

Literature cited by the submitters: PubMed 27363726 (cited by Myriad Genetics, Inc.).